The following is an entry in ClinVar:

ClinVar aggregate classification (germline): Uncertain significance. Review status: criteria provided, multiple submitters, no conflicts (2 of 4 stars). 2 submissions from 2 submitters: Uncertain significance (2). Last evaluated 2023-10-06.

Conditions:
Inborn genetic diseases. Identifiers: MedGen C0950123, MeSH D030342.

Allele frequency attached by ClinVar (database versions not stated): TOPMed 0.00001; 1000 Genomes Project 30x 0.00016; 1000 Genomes Project 0.00020; ExAC 0.00003.
gnomAD v4.1: 29 of 1,613,388 alleles (0.0018%); highest among the groups gnomAD compares: Non-Finnish European, 0.0021%; no homozygotes.

Submissions (2):

Ambry Genetics
Classification: Uncertain significance for Inborn genetic diseases. Last evaluated: 2023-10-06. Review status: criteria provided, single submitter. Criteria: Ambry Variant Classification Scheme 2023. Collection method: clinical testing. Allele origin: germline.

Labcorp Genetics (formerly Invitae), Labcorp
Classification: Uncertain significance. Last evaluated: 2022-07-14. Review status: criteria provided, single submitter. Criteria: Invitae Variant Classification Sherloc (09022015). Collection method: clinical testing. Allele origin: germline.
Comment: This sequence change replaces arginine, which is basic and polar, with cysteine, which is neutral and slightly polar, at codon 652 of the TUBGCP6 protein (p.Arg652Cys). This variant is present in population databases (rs181249457, gnomAD 0.006%). This variant has not been reported in the literature in individuals affected with TUBGCP6-related conditions. ClinVar contains an entry for this variant (Variation ID: 1045425). Algorithms developed to predict the effect of missense changes on protein structure and function are either unavailable or do not agree on the potential impact of this missense change (SIFT: "Deleterious"; PolyPhen-2: "Probably Damaging"; Align-GVGD: "Class C0"). In summary, the available evidence is currently insufficient to determine the role of this variant in disease. Therefore, it has been classified as a Variant of Uncertain Significance.

NM_020461.4(TUBGCP6):c.1954C>T (p.Arg652Cys)

Gene: TUBGCP6 (tubulin gamma complex component 6; minus strand). Cytogenetic location: 22q13.33.
Variant type: single nucleotide variant.
Coding change: c.1954C>T on transcript NM_020461.4 (MANE Select); coding-DNA position 1954, C replaced by T.
Protein change: p.Arg652Cys; replaces arginine 652 with cysteine.
Molecular consequence: missense variant.
Genome position (GRCh38, 1-based): chr22:50,225,823, G>A on the plus strand (C>T on the coding strand, the complement: TUBGCP6 is on the minus strand). VCF-style: chr22-50225823-G-A. GRCh37 (hg19) VCF-style: chr22-50664252-G-A.
Other names: c.1954C>T (NM_020461.3); short protein forms R652C.
Identifiers: ClinVar variation 1045425 (VCV001045425.5), dbSNP rs181249457, ClinGen allele CA10308438.